The following is an entry in ClinVar:

ClinVar aggregate classification (germline): Pathogenic. Review status: criteria provided, multiple submitters, no conflicts (2 of 4 stars). 2 submissions from 2 submitters: Pathogenic (2). Last evaluated 2024-08-05.

Conditions:
Skraban-Deardorff syndrome. Also called: WDR26-Related Intellectual Disability; INTELLECTUAL DISABILITY WITH SEIZURES, ABNORMAL GAIT, AND DISTINCTIVE FACIAL FEATURES. Identifiers: Orphanet 513456, MedGen C4539927, MONDO:0054636, OMIM 617616.

Submissions (2):

Women's Health and Genetics/Laboratory Corporation of America, LabCorp
Classification: Pathogenic for Skraban-Deardorff syndrome. Last evaluated: 2024-08-05. Review status: criteria provided, single submitter. Criteria: LabCorp Variant Classification Summary - May 2015. Collection method: clinical testing. Allele origin: germline.
Comment: Variant summary: WDR26 c.1674_1675delAG (p.Arg558SerfsX24) results in a premature termination codon, predicted to cause a truncation of the encoded protein or absence of the protein due to nonsense mediated decay, which are commonly known mechanisms for disease. The variant was absent in 250670 control chromosomes. To our knowledge, no occurrence of c.1674_1675delAG in individuals affected with Skraban-Deardorff Syndrome and no experimental evidence demonstrating its impact on protein function have been reported. ClinVar contains an entry for this variant (Variation ID: 801625). Based on the evidence outlined above, the variant was classified as pathogenic.

Mendelics
Classification: Pathogenic for Skraban-Deardorff syndrome. Last evaluated: 2019-05-28. Review status: criteria provided, single submitter. Criteria: Mendelics Assertion Criteria 2017. Collection method: clinical testing. Allele origin: unknown.

NM_001379403.1(WDR26):c.1974_1975del (p.Arg658fs)

Gene: WDR26 (WD repeat domain 26; minus strand). Cytogenetic location: 1q42.11.
Variant type: Microsatellite.
Coding change: c.1974_1975del on transcript NM_001379403.1 (MANE Select); coding-DNA positions 1974 to 1975, 2 bases deleted (AG; older notation c.1974_1975delAG).
Protein change: p.Arg658fs; shifts the reading frame from arginine 658.
Molecular consequence: frameshift variant.
Genome position (GRCh38, 1-based): chr1:224,398,196-224,398,197, CT deleted on the plus strand (AG on the coding strand, the reverse complement: WDR26 is on the minus strand); deleting any 2 consecutive bases within chr1:224,398,196-224,398,199 gives the same sequence; the c. name uses the placement nearest the transcript's 3' end. VCF-style (leftmost placement, unchanged base first): chr1-224398195-ACT-A. GRCh37 (hg19) VCF-style: chr1-224585897-ACT-A.
Other names: c.1626_1627del, p.Arg542fs (NM_001115113.3); c.1674_1675del, p.Arg558fs (NM_025160.7); c.1674_1675delAG (NM_025160.6, NM_025160.7); short protein forms R558fs, R542fs, R658fs.
Identifiers: ClinVar variation 801625 (VCV000801625.3), dbSNP rs1572163072, ClinGen allele CA915942043.